The following is an entry in ClinVar:

ClinVar aggregate classification (germline): Uncertain significance. Review status: criteria provided, single submitter (1 of 4 stars). 2 submissions from 2 submitters: Uncertain significance (1). 1 of the submissions does not count toward it. Last evaluated 2022-09-13.

Conditions:
Alstrom syndrome (ALMS). Identifiers: Orphanet 64, MedGen C0268425, MONDO:0008763, OMIM 203800.

Submissions (2):

Labcorp Genetics (formerly Invitae), Labcorp
Classification: Uncertain significance for Alstrom syndrome. Last evaluated: 2022-09-13. Review status: criteria provided, single submitter. Criteria: Invitae Variant Classification Sherloc (09022015). Collection method: clinical testing. Allele origin: germline.
Comment: In summary, the available evidence is currently insufficient to determine the role of this variant in disease. Therefore, it has been classified as a Variant of Uncertain Significance. Experimental studies and prediction algorithms are not available or were not evaluated, and the functional significance of this variant is currently unknown. ClinVar contains an entry for this variant (Variation ID: 1347981). This variant has not been reported in the literature in individuals affected with ALMS1-related conditions. This variant is not present in population databases (gnomAD no frequency). This sequence change replaces serine, which is neutral and polar, with cysteine, which is neutral and slightly polar, at codon 2853 of the ALMS1 protein (p.Ser2853Cys).

Natera, Inc.
Classification: Uncertain significance for Alstrom syndrome. Last evaluated: 2025-05-22. Review status: no assertion criteria provided. Collection method: clinical testing. Allele origin: germline. Not counted in ClinVar's aggregate classification.

NM_001378454.1(ALMS1):c.8555C>G (p.Ser2852Cys)

Gene: ALMS1 (ALMS1 centrosome and basal body associated protein; plus strand). Cytogenetic location: 2p13.1.
Variant type: single nucleotide variant.
Coding change: c.8555C>G on transcript NM_001378454.1 (MANE Select); coding-DNA position 8555, C replaced by G.
Protein change: p.Ser2852Cys; replaces serine 2852 with cysteine.
Molecular consequence: missense variant.
Genome position (GRCh38, 1-based): chr2:73,490,514, C>G. VCF-style: chr2-73490514-C-G. GRCh37 (hg19) VCF-style: chr2-73717641-C-G.
Other names: c.8558C>G, p.Ser2853Cys (NM_015120.4); short protein forms S2852C, S2853C.
Identifiers: ClinVar variation 1347981 (VCV001347981.7), dbSNP rs2103892251, ClinGen allele CA347269394.